The following is an entry in ClinVar:

NM_000388.4(CASR):c.884C>G (p.Ala295Gly)

Gene: CASR (calcium sensing receptor; plus strand). Cytogenetic location: 3q21.1.
Variant type: single nucleotide variant.
Coding change: c.884C>G on transcript NM_000388.4 (MANE Select); coding-DNA position 884, C replaced by G.
Protein change: p.Ala295Gly; replaces alanine 295 with glycine.
Molecular consequence: missense variant.
Genome position (GRCh38, 1-based): chr3:122,261,919, C>G. VCF-style: chr3-122261919-C-G. GRCh37 (hg19) VCF-style: chr3-121980766-C-G.
Other names: c.884C>G, p.Ala295Gly (NM_001178065.2); short protein forms A295G.
Identifiers: ClinVar variation 566622 (VCV000566622.10), dbSNP rs1559959332, ClinGen allele CA354151558.
Genomic context (GRCh38, chr3:122,261,919, plus strand): 5'-ATCTTGAGCCCCTCATCAAGGAGATTGTCCGGCGCAATATCACGGGCAAGATCTGGCTGG[C>G]CAGCGAGGCCTGGGCCAGCTCCTCCCTGATCGCCATGCCTCAGTACTTCCACGTGGTTGG-3'
Protein context (NP_000379.3, residues 285-305): RRNITGKIWL[Ala295Gly]SEAWASSSLI

ClinVar aggregate classification (germline): Uncertain significance (1 of 4 stars; one submission).

Conditions:
Familial hypocalciuric hypercalcemia (FHH). Also called: Familial benign hypercalcemia. Identifiers: Orphanet 405, MedGen C1809471, MONDO:0018458.
Autosomal dominant hypocalcemia 1 (HYPOC1). Also called: HYPOCALCEMIA, FAMILIAL. Identifiers: MedGen C3715128, MONDO:0011013, OMIM 601198.

Submission:

Labcorp Genetics (formerly Invitae), Labcorp
Classification: Uncertain significance for Familial hypocalciuric hypercalcemia; Autosomal dominant hypocalcemia 1. Last evaluated: 2018-03-06. Review status: criteria provided, single submitter. Criteria: Invitae Variant Classification Sherloc (09022015). Collection method: clinical testing. Allele origin: germline.
Comment: This variant is not present in population databases (ExAC no frequency). This variant has not been reported in the literature in individuals with CASR-related disease. Algorithms developed to predict the effect of missense changes on protein structure and function do not agree on the potential impact of this missense change (SIFT: "Deleterious"; PolyPhen-2: "Benign"; Align-GVGD: "Class C55"). In summary, the available evidence is currently insufficient to determine the role of this variant in disease. Therefore, it has been classified as a Variant of Uncertain Significance. This sequence change replaces alanine with glycine at codon 295 of the CASR protein (p.Ala295Gly). The alanine residue is highly conserved and there is a small physicochemical difference between alanine and glycine.